The following is an entry in ClinVar:

ClinVar aggregate classification (germline): Pathogenic (1 of 4 stars; one submission).

Conditions:
Myoclonic dystonia 11 (DYT11). Also called: DYT-SGCE; Myoclonic dystonia; Dystonia 11; Dystonia, alcohol responsive; Hereditary essential myoclonus; SGCE Myoclonus-Dystonia. Identifiers: Orphanet 36899, MedGen C1834570, MONDO:0008044, OMIM 159900.

Submission:

Labcorp Genetics (formerly Invitae), Labcorp
Classification: Pathogenic for Myoclonic dystonia 11. Last evaluated: 2017-10-20. Review status: criteria provided, single submitter. Criteria: Invitae Variant Classification Sherloc (09022015). Collection method: clinical testing. Allele origin: germline.
Comment: This sequence change creates a premature translational stop signal (p.Trp100Cysfs*32) in the SGCE gene. It is expected to result in an absent or disrupted protein product. This variant is not present in population databases (ExAC no frequency). This variant has not been reported in the literature in individuals with SGCE-related disease. Loss-of-function variants in SGCE are known to be pathogenic (PMID: 12821748, 15389977, 24297365). For these reasons, this variant has been classified as Pathogenic.

Literature cited by the submitters: PubMed 12821748; PubMed 15389977; PubMed 24297365.

NM_003919.3(SGCE):c.300del (p.Trp100fs)

Genes: CASD1 (CAS1 domain sialic acid O acetyltransferase 1; plus strand), SGCE (sarcoglycan epsilon; minus strand). Cytogenetic location: 7q21.3.
Variant type: Deletion.
Coding change: c.300del on transcript NM_003919.3 (MANE Select); coding-DNA position 300, one base deleted (G; older notation c.300delG).
Protein change: p.Trp100fs; shifts the reading frame from tryptophan 100.
Molecular consequence: frameshift variant.
Genome position (GRCh38, 1-based): chr7:94,628,292, C deleted on the plus strand (G on the coding strand, the reverse complement: SGCE is on the minus strand); the first of 2 consecutive C bases (chr7:94,628,292-94,628,293); deleting either gives the same sequence. VCF-style (leftmost placement, unchanged base first): chr7-94628291-GC-G. GRCh37 (hg19) VCF-style: chr7-94257603-GC-G.
Other names: c.300del, p.Trp100fs (NM_001099400.2, NM_001099401.2, NM_001346717.2); c.177del, p.Trp59fs (NM_001301139.2, NM_001362809.2); c.408del, p.Trp136fs (NM_001346713.2, NM_001346715.2); c.213del, p.Trp71fs (NM_001346719.2, NM_001362807.2); c.27del, p.Trp9fs (NM_001346720.2, NM_001362808.2); short protein forms W136fs, W100fs, W9fs, W59fs, W71fs.
Identifiers: ClinVar variation 532785 (VCV000532785.6), dbSNP rs1554358727, ClinGen allele CA658796977.